The following is an entry in ClinVar:

NM_018979.4(WNK1):c.5555C>G (p.Ala1852Gly)

Gene: WNK1 (WNK lysine deficient protein kinase 1; plus strand). Cytogenetic location: 12p13.33.
Variant type: single nucleotide variant.
Coding change: c.5555C>G on transcript NM_018979.4 (MANE Select); coding-DNA position 5555, C replaced by G.
Protein change: p.Ala1852Gly; replaces alanine 1852 with glycine.
Molecular consequence: missense variant.
Genome position (GRCh38, 1-based): chr12:894,607, C>G. VCF-style: chr12-894607-C-G. GRCh37 (hg19) VCF-style: chr12-1003773-C-G.
Other names: c.6335C>G, p.Ala2112Gly (NM_001184985.2); c.4811C>G, p.Ala1604Gly (NM_014823.3); c.6311C>G, p.Ala2104Gly (NM_213655.5); short protein forms A2104G, A1852G, A2112G, A1604G.
Identifiers: ClinVar variation 306608 (VCV000306608.14), dbSNP rs886048785, ClinGen allele CA10633658.

ClinVar aggregate classification (germline): Uncertain significance. Review status: criteria provided, multiple submitters, no conflicts (2 of 4 stars). 2 submissions from 2 submitters: Uncertain significance (2). Last evaluated 2022-11-10.

Conditions:
Neuropathy, hereditary sensory and autonomic, type 2A (HSAN2A). Also called: ACROOSTEOLYSIS, GIACCAI TYPE; ACROOSTEOLYSIS, NEUROGENIC; HSAN IIA; WNK1-Related HSAN2 (HSAN2A); MORVAN DISEASE; NEUROPATHY, CONGENITAL SENSORY. Identifiers: Orphanet 970, MedGen C2752089, MONDO:0024309, OMIM 201300.
Pseudohypoaldosteronism type 2C (PHA2C). Also called: Pseudohypoaldosteronism Type IIC. Identifiers: Orphanet 757, Orphanet 88940, MedGen C1840391, MONDO:0013778, OMIM 614492.

Allele frequency attached by ClinVar (database versions not stated): gnomAD exomes below 0.00001 and 0.00002; gnomAD 0.00002; TOPMed 0.00002.
gnomAD v4.1: 30 of 1,613,898 alleles (0.0019%); highest among the groups gnomAD compares: Non-Finnish European, 0.0025%; no homozygotes.

Submissions (2):

Labcorp Genetics (formerly Invitae), Labcorp
Classification: Uncertain significance for Neuropathy, hereditary sensory and autonomic, type 2A; Pseudohypoaldosteronism type 2C. Last evaluated: 2022-11-10. Review status: criteria provided, single submitter. Criteria: Invitae Variant Classification Sherloc (09022015). Collection method: clinical testing. Allele origin: germline.
Comment: ClinVar contains an entry for this variant (Variation ID: 306608). This sequence change replaces alanine, which is neutral and non-polar, with glycine, which is neutral and non-polar, at codon 2104 of the WNK1 protein (p.Ala2104Gly). This variant is present in population databases (no rsID available, gnomAD 0.0009%). This variant has not been reported in the literature in individuals affected with WNK1-related conditions. Advanced modeling of protein sequence and biophysical properties (such as structural, functional, and spatial information, amino acid conservation, physicochemical variation, residue mobility, and thermodynamic stability) performed at Invitae indicates that this missense variant is not expected to disrupt WNK1 protein function. In summary, the available evidence is currently insufficient to determine the role of this variant in disease. Therefore, it has been classified as a Variant of Uncertain Significance.

Illumina Laboratory Services, Illumina
Classification: Uncertain significance for Pseudohypoaldosteronism type 2C. Last evaluated: 2018-01-12. Review status: criteria provided, single submitter. Criteria: ICSL Variant Classification Criteria 13 December 2019. Collection method: clinical testing. Allele origin: germline.